The following is an entry in ClinVar:

NM_020458.4(TTC7A):c.2152+1G>A

Gene: TTC7A (tetratricopeptide repeat domain 7A; plus strand). Cytogenetic location: 2p21.
Variant type: single nucleotide variant.
Coding change: c.2152+1G>A on transcript NM_020458.4 (MANE Select); the canonical splice donor site of the intron after coding-DNA position 2152, G replaced by A.
Molecular consequence: splice donor variant.
Genome position (GRCh38, 1-based): chr2:47,051,881, G>A. VCF-style: chr2-47051881-G-A. GRCh37 (hg19) VCF-style: chr2-47279020-G-A.
Other names: c.2050+1G>A (NM_001288953.2); c.2224+1G>A (NM_001288951.2); c.1090+1G>A (NM_001288955.2).
Identifiers: ClinVar variation 4882317 (VCV004882317.2).

ClinVar aggregate classification (germline): Likely pathogenic (1 of 4 stars; one submission).

Conditions:
Gastrointestinal defects and immunodeficiency syndrome 1 (GIDID1). Also called: Combined immunodeficiency-enteropathy spectrum. Identifiers: Orphanet 436252, MedGen C5968858, MONDO:0800030, OMIM 243150.

gnomAD v4.1: 1 of 1,607,700 alleles (0.000062%); highest among the groups gnomAD compares: Non-Finnish European, 0.000085%; no homozygotes.

Submission:

Dasa
Classification: Likely pathogenic for Gastrointestinal defects and immunodeficiency syndrome 1. Last evaluated: 2025-11-12. Review status: criteria provided, single submitter. Criteria: DASA Assertion Criteria. Collection method: clinical testing. Allele origin: germline.
Comment: NM_020458.4(TTC7A):c.2152+1G>A affects a canonical splice site and is predicted to disrupt normal RNA splicing. Loss of function is an established disease mechanism for TTC7A-associated disorders. Also, this variant is rare in population databases. Based on the currently available evidence, this variant is classified as likely pathogenic.